The following is an entry in ClinVar:

NM_020376.4(PNPLA2):c.77C>T (p.Ala26Val)

Genes: PNPLA2 (patatin like domain 2, triacylglycerol lipase; plus strand), LOC130005097 (ATAC-STARR-seq lymphoblastoid silent region 3036; plus strand). Cytogenetic location: 11p15.5.
Variant type: single nucleotide variant.
Coding change: c.77C>T on transcript NM_020376.4 (MANE Select); coding-DNA position 77, C replaced by T.
Protein change: p.Ala26Val; replaces alanine 26 with valine.
Molecular consequence: missense variant.
Genome position (GRCh38, 1-based): chr11:819,795, C>T. VCF-style: chr11-819795-C-T. GRCh37 (hg19) VCF-style: chr11-819795-C-T.
Other names: c.77C>T (NM_020376.3); short protein forms A26V.
Identifiers: ClinVar variation 1345351 (VCV001345351.7), dbSNP rs771863344, ClinGen allele CA5790900.

ClinVar aggregate classification (germline): Uncertain significance. Review status: criteria provided, multiple submitters, no conflicts (2 of 4 stars). 2 submissions from 2 submitters: Uncertain significance (2). Last evaluated 2023-04-06.

Conditions:
Inborn genetic diseases. Identifiers: MedGen C0950123, MeSH D030342.
Neutral lipid storage myopathy (NLSDM). Also called: NEUTRAL LIPID STORAGE DISEASE WITHOUT ICHTHYOSIS. Identifiers: Orphanet 98908, MedGen C1853136, MONDO:0012545, OMIM 610717.

Allele frequency attached by ClinVar (database versions not stated): gnomAD 0.00001; gnomAD exomes 0.00001; ExAC 0.00006.
gnomAD v4.1: 10 of 1,509,372 alleles (0.00066%); highest among the groups gnomAD compares: Non-Finnish European, 0.00089%; no homozygotes.

Submissions (2):

Ambry Genetics
Classification: Uncertain significance for Inborn genetic diseases. Last evaluated: 2023-04-06. Review status: criteria provided, single submitter. Criteria: Ambry Variant Classification Scheme 2023. Collection method: clinical testing. Allele origin: germline.

Labcorp Genetics (formerly Invitae), Labcorp
Classification: Uncertain significance for Neutral lipid storage myopathy. Last evaluated: 2022-08-16. Review status: criteria provided, single submitter. Criteria: Invitae Variant Classification Sherloc (09022015). Collection method: clinical testing. Allele origin: germline.
Comment: ClinVar contains an entry for this variant (Variation ID: 1345351). This variant has not been reported in the literature in individuals affected with PNPLA2-related conditions. This variant is present in population databases (rs771863344, gnomAD 0.007%). Algorithms developed to predict the effect of missense changes on protein structure and function are either unavailable or do not agree on the potential impact of this missense change (SIFT: "Tolerated"; PolyPhen-2: "Possibly Damaging"; Align-GVGD: "Class C0"). In summary, the available evidence is currently insufficient to determine the role of this variant in disease. Therefore, it has been classified as a Variant of Uncertain Significance. This sequence change replaces alanine, which is neutral and non-polar, with valine, which is neutral and non-polar, at codon 26 of the PNPLA2 protein (p.Ala26Val).